The following is an entry in ClinVar:

NM_000088.4(COL1A1):c.3424-6C>A

Gene: COL1A1 (collagen type I alpha 1 chain; minus strand). Cytogenetic location: 17q21.33.
Variant type: single nucleotide variant.
Coding change: c.3424-6C>A on transcript NM_000088.4 (MANE Select); 6 bases into the intron before coding-DNA position 3424, C replaced by A.
Molecular consequence: intron variant.
Genome position (GRCh38, 1-based): chr17:50,187,128, G>T on the plus strand (C>A on the coding strand, the complement: COL1A1 is on the minus strand). VCF-style: chr17-50187128-G-T. GRCh37 (hg19) VCF-style: chr17-48264489-G-T.
Other names: p.?.
Identifiers: ClinVar variation 324101 (VCV000324101.46), dbSNP rs370865189, ClinGen allele CA8644438.

ClinVar aggregate classification (germline): Conflicting classifications of pathogenicity. Review status: criteria provided, conflicting classifications (1 of 4 stars). 10 submissions from 8 submitters: Uncertain significance (1); Benign (5); Likely benign (4). Last evaluated 2026-01-27.

Conditions:
Ehlers-Danlos syndrome, arthrochalasia type. Also called: ARTHROCHALASIS MULTIPLEX CONGENITA; EDS VII, MUTANT PROCOLLAGEN TYPE; EDS VIIA; Ehlers-Danlos syndrome, arthrochalasis type; Ehlers-Danlos syndrome, arthrochalasia type, 1. Identifiers: Orphanet 1899, Orphanet 99875, Orphanet 99876, MedGen C4551623, MONDO:0007525, OMIM 130060.
Infantile cortical hyperostosis. Also called: Hyperostosis, Cortical, Congenital; Caffey Disease; P1PK BLOOD GROUP SYSTEM, P(2) PHENOTYPE. Identifiers: Orphanet 1310, MedGen C0020497, MONDO:0007244, OMIM 114000.
Osteogenesis imperfecta (OI). Identifiers: Orphanet 666, MedGen C0029434, MeSH D010013, MONDO:0019019.
Osteogenesis imperfecta type I (OI1). Also called: OI, TYPE I; OSTEOGENESIS IMPERFECTA TARDA; OSTEOGENESIS IMPERFECTA WITH BLUE SCLERAE; Osteogenesis imperfecta type 1; Lobstein disease; Classic Non-deforming Osteogenesis Imperfecta with Blue Sclerae. Identifiers: Orphanet 216796, Orphanet 666, MedGen C0023931, MONDO:0008146, OMIM 166200. Disease mechanism: loss of function.

Allele frequency attached by ClinVar (database versions not stated): 1000 Genomes Project 30x 0.00016; 1000 Genomes Project 0.00020; gnomAD 0.00040 and 0.00044; TOPMed 0.00046; ESP Exome Variant Server 0.00054; ExAC 0.00062.
gnomAD v4.1: 525 of 1,597,948 alleles (0.033%); highest among the groups gnomAD compares: Admixed American, 0.028%; 4 homozygotes.

Submissions (12):

Labcorp Genetics (formerly Invitae), Labcorp
Classification: Benign for Osteogenesis imperfecta type I. Last evaluated: 2026-01-27. Review status: criteria provided, single submitter. Criteria: Invitae Variant Classification Sherloc (09022015). Collection method: clinical testing. Allele origin: germline.

Molecular Diagnostic Laboratory for Inherited Cardiovascular Disease, Montreal Heart Institute
Classification: Likely benign. Last evaluated: 2025-07-24. Review status: criteria provided, single submitter. Criteria: ACMG Guidelines, 2015. Collection method: clinical testing. Allele origin: germline. Affected: no.

Women's Health and Genetics/Laboratory Corporation of America, LabCorp
Classification: Benign. Last evaluated: 2025-04-30. Review status: criteria provided, single submitter. Criteria: LabCorp Variant Classification Summary - May 2015. Collection method: clinical testing. Allele origin: germline.
Comment: Variant summary: COL1A1 c.3424-6C>A alters a nucleotide located at a position not widely known to affect splicing. Consensus agreement among computation tools predict no significant impact on normal splicing. However, these predictions have yet to be confirmed by functional studies. The variant allele was found at a frequency of 0.00066 in 222048 control chromosomes in the gnomAD database, including 3 homozygotes. The observed variant frequency is approximately 22 fold of the estimated maximal expected allele frequency for a pathogenic variant in COL1A1 causing Osteogenesis imperfecta type I phenotype (3e-05). To our knowledge, no occurrence of c.3424-6C>A in individuals affected with Osteogenesis imperfecta type I and no experimental evidence demonstrating its impact on protein function have been reported. ClinVar contains an entry for this variant (Variation ID: 324101). Based on the evidence outlined above, the variant was classified as benign.

CeGaT Center for Human Genetics Tuebingen
Classification: Likely benign. Last evaluated: 2024-12-01. Review status: criteria provided, single submitter. Criteria: CeGaT Center For Human Genetics Tuebingen Variant Classification Criteria Version 2. Collection method: clinical testing. Allele origin: germline. Affected: yes. Observed: 3 variant alleles.
Comment: COL1A1: BP4, BS2

Blueprint Genetics
Classification: Likely benign. Last evaluated: 2024-05-14. Review status: criteria provided, single submitter. Criteria: ACMG Guidelines, 2015. Collection method: clinical testing. Allele origin: germline.

Mayo Clinic Laboratories, Mayo Clinic
Classification: Benign. Last evaluated: 2023-03-30. Review status: criteria provided, single submitter. Criteria: ACMG Guidelines, 2015. Collection method: clinical testing. Allele origin: germline. Observed: 6 variant alleles.
Comment: BS1, BS2, BP4, BP7

GeneDx
Classification: Likely benign. Last evaluated: 2021-05-10. Review status: criteria provided, single submitter. Criteria: GeneDx Variant Classification Process June 2021. Collection method: clinical testing. Allele origin: germline. Affected: yes.

Illumina Laboratory Services, Illumina
Classification: Benign for Ehlers-Danlos syndrome, arthrochalasia type. Last evaluated: 2018-01-13. Review status: criteria provided, single submitter. Criteria: ICSL Variant Classification Criteria 13 December 2019. Collection method: clinical testing. Allele origin: germline.
Comment: This variant was observed in the ICSL laboratory as part of a predisposition screen in an ostensibly healthy population. It had not been previously curated by ICSL or reported in the Human Gene Mutation Database (HGMD: prior to June 1st, 2018), and was therefore a candidate for classification through an automated scoring system. Utilizing variant allele frequency, disease prevalence and penetrance estimates, and inheritance mode, an automated score was calculated to assess if this variant is too frequent to cause the disease. Based on the score and internal cut-off values, a variant classified as benign is not then subjected to further curation. The score for this variant resulted in a classification of benign for this disease.

Illumina Laboratory Services, Illumina
Classification: Uncertain significance for Infantile cortical hyperostosis. Last evaluated: 2018-01-13. Review status: criteria provided, single submitter. Criteria: ICSL Variant Classification Criteria 13 December 2019. Collection method: clinical testing. Allele origin: germline.

Illumina Laboratory Services, Illumina
Classification: Benign for Osteogenesis imperfecta. Last evaluated: 2018-01-13. Review status: criteria provided, single submitter. Criteria: ICSL Variant Classification Criteria 13 December 2019. Collection method: clinical testing. Allele origin: germline.
Comment: the same text as in the submission from Illumina Laboratory Services, Illumina above.

Dr. Peter K. Rogan Lab, Western University
No classification provided (evidence only). Condition: Uterine corpus endometrial carcinoma. Review status: no classification provided. Collection method: in vitro. Allele origin: not applicable. Functional consequence: skipped exon, retained intron. Not counted in ClinVar's aggregate classification.

Dr. Peter K. Rogan Lab, Western University
No classification provided (evidence only). Condition: Ovarian serous cystadenocarcinoma. Review status: no classification provided. Collection method: in vitro. Allele origin: not applicable. Functional consequence: retained intron. Not counted in ClinVar's aggregate classification.